The following is an entry in ClinVar:

ClinVar aggregate classification (germline): Uncertain significance. Review status: criteria provided, multiple submitters, no conflicts (2 of 4 stars). 2 submissions from 2 submitters: Uncertain significance (2). Last evaluated 2026-07-29.

Conditions:
Mitochondrial complex II deficiency, nuclear type 1. Also called: SUCCINATE CoQ REDUCTASE DEFICIENCY. Identifiers: Orphanet 3208, MedGen C5700310, MONDO:0100294, OMIM 252011.
Pheochromocytoma/paraganglioma syndrome 5. Also called: Paragangliomas 5; SDHA-Related Hereditary Paraganglioma-Pheochromocytoma Syndrome. Identifiers: Orphanet 29072, MedGen C3279992, MONDO:0013602, OMIM 614165.
Hereditary cancer-predisposing syndrome. Also called: Hereditary Cancer Syndrome; Tumor predisposition; Neoplastic Syndromes, Hereditary; Hereditary neoplastic syndrome. Identifiers: Orphanet 140162, MedGen C0027672, MeSH D009386, MONDO:0015356.

Allele frequency attached by ClinVar (database versions not stated): TOPMed below 0.00001; gnomAD 0.00001.
gnomAD v4.1: 1 of 1,614,066 alleles (0.000062%); highest among the groups gnomAD compares: Non-Finnish European, 0.000085%; no homozygotes.

Submissions (2):

Ambry Genetics
Classification: Uncertain significance for Hereditary cancer-predisposing syndrome. Last evaluated: 2026-07-29. Review status: criteria provided, single submitter. Criteria: Ambry Variant Classification Scheme 2023. Collection method: clinical testing. Allele origin: germline.
Comment: The p.R325W variant (also known as c.973A>T), located in coding exon 8 of the SDHA gene, results from an A to T substitution at nucleotide position 973. The arginine at codon 325 is replaced by tryptophan, an amino acid with dissimilar properties. This amino acid position is highly conserved in available vertebrate species. In addition, this alteration is predicted to be deleterious by in silico analysis. Based on the available evidence, the clinical significance of this variant remains unclear.

Labcorp Genetics (formerly Invitae), Labcorp
Classification: Uncertain significance for Pheochromocytoma/paraganglioma syndrome 5; Mitochondrial complex II deficiency, nuclear type 1. Last evaluated: 2024-07-30. Review status: criteria provided, single submitter. Criteria: Invitae Variant Classification Sherloc (09022015). Collection method: clinical testing. Allele origin: germline.
Comment: This sequence change replaces arginine, which is basic and polar, with tryptophan, which is neutral and slightly polar, at codon 325 of the SDHA protein (p.Arg325Trp). This variant is not present in population databases (gnomAD no frequency). This variant has not been reported in the literature in individuals affected with SDHA-related conditions. ClinVar contains an entry for this variant (Variation ID: 1496443). Advanced modeling of protein sequence and biophysical properties (such as structural, functional, and spatial information, amino acid conservation, physicochemical variation, residue mobility, and thermodynamic stability) has been performed at Invitae for this missense variant, however the output from this modeling did not meet the statistical confidence thresholds required to predict the impact of this variant on SDHA protein function. In summary, the available evidence is currently insufficient to determine the role of this variant in disease. Therefore, it has been classified as a Variant of Uncertain Significance.

NM_004168.4(SDHA):c.973A>T (p.Arg325Trp)

Gene: SDHA (succinate dehydrogenase complex flavoprotein subunit A; plus strand). Cytogenetic location: 5p15.33.
Variant type: single nucleotide variant.
Coding change: c.973A>T on transcript NM_004168.4 (MANE Select); coding-DNA position 973, A replaced by T.
Protein change: p.Arg325Trp; replaces arginine 325 with tryptophan.
Molecular consequence: missense variant.
Genome position (GRCh38, 1-based): chr5:233,554, A>T. VCF-style: chr5-233554-A-T. GRCh37 (hg19) VCF-style: chr5-233669-A-T.
Other names: c.973A>T (NM_004168.2); c.829A>T, p.Arg277Trp (NM_001294332.2); c.973A>T, p.Arg325Trp (NM_001330758.2); short protein forms R325W, R277W.
Identifiers: ClinVar variation 1496443 (VCV001496443.10), dbSNP rs1735554095, ClinGen allele CA359012740.
Genomic context (GRCh38, chr5:233,554, plus strand): 5'-TGTCTCATTACGGAAGGATGTCGTGGAGAGGGAGGCATTCTCATTAACAGTCAAGGCGAA[A>T]GGTTTATGGAGCGATACGCCCCTGTCGCGAAGGACCTGGCGTCTAGAGATGTGGTGTCTC-3'
Protein context (NP_004159.2, residues 315-335): GGILINSQGE[Arg325Trp]FMERYAPVAK